The following is an entry in ClinVar:

NM_000290.4(PGAM2):c.341T>G (p.Ile114Ser)

Genes: DBNL (drebrin like; plus strand), PGAM2 (phosphoglycerate mutase 2; minus strand), LOC129998342 (ATAC-STARR-seq lymphoblastoid active region 25925; plus strand). Cytogenetic location: 7p13.
Variant type: single nucleotide variant.
Coding change: c.341T>G on transcript NM_000290.4 (MANE Select); coding-DNA position 341, T replaced by G.
Protein change: p.Ile114Ser; replaces isoleucine 114 with serine.
Molecular consequence: missense variant. On other transcripts: 3 prime UTR variant (6).
Genome position (GRCh38, 1-based): chr7:44,065,189, A>C on the plus strand (T>G on the coding strand, the complement: PGAM2 is on the minus strand). VCF-style: chr7-44065189-A-C. GRCh37 (hg19) VCF-style: chr7-44104788-A-C.
Other names: c.*4273A>C (NM_001014436.3, NM_001122956.2, NM_001284313.2 and 3 more transcripts); short protein forms I114S.
Identifiers: ClinVar variation 360276 (VCV000360276.20), dbSNP rs61756062, ClinGen allele CA4236615.

ClinVar aggregate classification (germline): Benign. Review status: criteria provided, multiple submitters, no conflicts (2 of 4 stars). 6 submissions from 6 submitters: Benign (3). 3 of the submissions do not count toward it. Last evaluated 2026-02-01.

Conditions:
Glycogen storage disease type X (GSD10). Also called: GSD X; MYOPATHY DUE TO PHOSPHOGLYCERATE MUTASE DEFICIENCY; PGAMM DEFICIENCY; PHOSPHOGLYCERATE MUTASE, MUSCLE, DEFICIENCY OF; Dimauro disease; Glycogen storage disease due to phosphoglycerate mutase deficiency. Identifiers: Orphanet 97234, MedGen C0268149, MONDO:0009865, OMIM 261670.

Allele frequency attached by ClinVar (database versions not stated): ExAC 0.02899; 1000 Genomes Project 30x 0.05372; 1000 Genomes Project 0.05471; gnomAD exomes 0.01436 and 0.02730; ESP Exome Variant Server 0.02114; gnomAD 0.02444 and 0.02732; TOPMed 0.02878.
gnomAD v4.1: 25,708 of 1,613,994 alleles (1.6%); highest among the groups gnomAD compares: South Asian, 9.6%; 827 homozygotes.

Submissions (6):

Labcorp Genetics (formerly Invitae), Labcorp
Classification: Benign for Glycogen storage disease type X. Last evaluated: 2026-02-01. Review status: criteria provided, single submitter. Criteria: Invitae Variant Classification Sherloc (09022015). Collection method: clinical testing. Allele origin: germline.

Illumina Laboratory Services, Illumina
Classification: Benign for Glycogen storage disease type X. Last evaluated: 2018-01-13. Review status: criteria provided, single submitter. Criteria: ICSL Variant Classification Criteria 13 December 2019. Collection method: clinical testing. Allele origin: germline.
Comment: This variant was observed in the ICSL laboratory as part of a predisposition screen in an ostensibly healthy population. It had not been previously curated by ICSL or reported in the Human Gene Mutation Database (HGMD: prior to June 1st, 2018), and was therefore a candidate for classification through an automated scoring system. Utilizing variant allele frequency, disease prevalence and penetrance estimates, and inheritance mode, an automated score was calculated to assess if this variant is too frequent to cause the disease. Based on the score and internal cut-off values, a variant classified as benign is not then subjected to further curation. The score for this variant resulted in a classification of benign for this disease.

GeneDx
Classification: Benign. Last evaluated: 2016-03-01. Review status: criteria provided, single submitter. Criteria: GeneDx Variant Classification (06012015). Collection method: clinical testing. Allele origin: germline. Affected: yes.
Comment: This variant is considered likely benign or benign based on one or more of the following criteria: it is a conservative change, it occurs at a poorly conserved position in the protein, it is predicted to be benign by multiple in silico algorithms, and/or has population frequency not consistent with disease.

Mayo Clinic Laboratories, Mayo Clinic
Classification: Benign. Last evaluated: 2017-03-13. Review status: no assertion criteria provided. Collection method: clinical testing. Allele origin: unknown. Not counted in ClinVar's aggregate classification.

Genome Diagnostics Laboratory, University Medical Center Utrecht
Classification: Benign. Review status: no assertion criteria provided. Collection method: clinical testing. Allele origin: germline. Affected: yes. Study: VKGL Data-share Consensus. Not counted in ClinVar's aggregate classification.

Laboratory of Diagnostic Genome Analysis, Leiden University Medical Center (LUMC)
Classification: Likely benign. Review status: no assertion criteria provided. Collection method: clinical testing. Allele origin: germline. Affected: yes. Study: VKGL Data-share Consensus. Not counted in ClinVar's aggregate classification.